The following is an entry in ClinVar:

ClinVar aggregate classification (germline): Pathogenic (1 of 4 stars; one submission).

Submission:

GeneDx
Classification: Pathogenic. Last evaluated: 2013-08-27. Review status: criteria provided, single submitter. Criteria: GeneDx Variant Classification (06012015). Collection method: clinical testing. Allele origin: germline. Affected: yes.
Comment: The Asn630Lys mutation in the FBN1 gene has been reported in one individual with Marfan syndrome (Stheneur C et al., 2009). The Asn630Lys mutation in the FBN1 gene results in a non-conservative amino acid substitution of a polar Asparagine with a positively charged Lysine at a residue that is conserved across species. In silico analysis predicts Asn630Lys is damaging to the protein structure/function. Mutations in nearby residues (Cys628Tyr, Ser634Pro) have been reported in association with Marfan syndrome, further supporting the functional importance of this region of the protein. Furthermore, Asn630Lys was not observed in approximately 6,500 individuals of European and African American ancestry in the NHLBI Exome Sequencing Project, indicating it is not a common benign variant in these populations. Therefore, Asn630Lys in the FBN1 gene is interpreted as a disease-causing mutation.The variant is found in TAAD panel(s).

NM_000138.5(FBN1):c.1890C>A (p.Asn630Lys)

Gene: FBN1 (fibrillin 1; minus strand). Cytogenetic location: 15q21.1.
Variant type: single nucleotide variant.
Coding change: c.1890C>A on transcript NM_000138.5 (MANE Select); coding-DNA position 1890, C replaced by A.
Protein change: p.Asn630Lys; replaces asparagine 630 with lysine.
Molecular consequence: missense variant.
Genome position (GRCh38, 1-based): chr15:48,505,095, G>T on the plus strand (C>A on the coding strand, the complement: FBN1 is on the minus strand). VCF-style: chr15-48505095-G-T. GRCh37 (hg19) VCF-style: chr15-48797292-G-T.
Other names: p.N630K:AAC>AAA; short protein forms N630K.
Identifiers: ClinVar variation 199983 (VCV000199983.2), dbSNP rs794728179, ClinGen allele CA012666.